The following is an entry in ClinVar:

ClinVar aggregate classification (germline): Uncertain significance (1 of 4 stars; one submission).

Conditions:
Short QT syndrome type 3. Identifiers: Orphanet 51083, MedGen C1865018, MONDO:0012314, OMIM 609622.
Andersen Tawil syndrome (LQT7). Also called: PERIODIC PARALYSIS, POTASSIUM-SENSITIVE CARDIODYSRHYTHMIC TYPE; ANDERSEN CARDIODYSRHYTHMIC PERIODIC PARALYSIS; Potassium-sensitive periodic paralysis, ventricular ectopy, and dysmorphic features; Andersen Syndrome; LONG QT SYNDROME 7. Identifiers: Orphanet 37553, MedGen C1563715, MONDO:0008222, OMIM 170390.

Submission:

Labcorp Genetics (formerly Invitae), Labcorp
Classification: Uncertain significance for Short QT syndrome type 3; Andersen Tawil syndrome. Last evaluated: 2022-06-27. Review status: criteria provided, single submitter. Criteria: Invitae Variant Classification Sherloc (09022015). Collection method: clinical testing. Allele origin: germline.
Comment: In summary, the available evidence is currently insufficient to determine the role of this variant in disease. Therefore, it has been classified as a Variant of Uncertain Significance. Algorithms developed to predict the effect of missense changes on protein structure and function (SIFT, PolyPhen-2, Align-GVGD) all suggest that this variant is likely to be tolerated. This variant has not been reported in the literature in individuals affected with KCNJ2-related conditions. This variant is not present in population databases (gnomAD no frequency). This sequence change replaces tyrosine, which is neutral and polar, with asparagine, which is neutral and polar, at codon 366 of the KCNJ2 protein (p.Tyr366Asn).

NM_000891.3(KCNJ2):c.1096T>A (p.Tyr366Asn)

Gene: KCNJ2 (potassium inwardly rectifying channel subfamily J member 2; plus strand). Cytogenetic location: 17q24.3.
Variant type: single nucleotide variant.
Coding change: c.1096T>A on transcript NM_000891.3 (MANE Select); coding-DNA position 1096, T replaced by A.
Protein change: p.Tyr366Asn; replaces tyrosine 366 with asparagine.
Molecular consequence: missense variant.
Genome position (GRCh38, 1-based): chr17:70,176,135, T>A. VCF-style: chr17-70176135-T-A. GRCh37 (hg19) VCF-style: chr17-68172276-T-A.
Other names: short protein forms Y366N.
Identifiers: ClinVar variation 1523487 (VCV001523487.6), dbSNP rs2144377919, ClinGen allele CA400863484.